The following is an entry in ClinVar:

NM_001206744.2(TPO):c.2619-3592A>T

Genes: LALTOP (lung cancer associated lncRNA targeting TOP2A; minus strand), TPO (thyroid peroxidase; plus strand). Cytogenetic location: 2p25.3.
Variant type: single nucleotide variant.
Coding change: c.2619-3592A>T on transcript NM_001206744.2 (MANE Select); 3592 bases into the intron before coding-DNA position 2619, A replaced by T.
Molecular consequence: intron variant.
Genome position (GRCh38, 1-based): chr2:1,537,002, A>T. VCF-style: chr2-1537002-A-T. GRCh37 (hg19) VCF-style: chr2-1540774-A-T.
Other names: c.2619-3592A>T (NM_000547.6); c.2448-3592A>T (NM_175719.4, NM_001206745.2); c.2487-3592A>T (NM_175721.3); c.2100-3592A>T (NM_175722.3).
Identifiers: ClinVar variation 2650606 (VCV002650606.24), dbSNP rs1365106632, ClinGen allele CA530414053.

ClinVar aggregate classification (germline): Likely benign (1 of 4 stars; one submission).

Submission:

CeGaT Center for Human Genetics Tuebingen
Classification: Likely benign. Last evaluated: 2023-02-01. Review status: criteria provided, single submitter. Criteria: CeGaT Center For Human Genetics Tuebingen Variant Classification Criteria Version 2. Collection method: clinical testing. Allele origin: germline. Affected: yes. Observed: 3 variant alleles.
Comment: TPO: BS2